The following is an entry in ClinVar:

ClinVar aggregate classification (germline): Uncertain significance (1 of 4 stars; one submission).

Conditions:
Cardiomyopathy (CMYO). Also called: Cardiomyopathies. Identifiers: Orphanet 167848, MedGen C0878544, MONDO:0004994, HP:0001638. Inheritance: Various modes of inheritance.

Submission:

Color Diagnostics, LLC DBA Color Health
Classification: Uncertain significance for Cardiomyopathy. Last evaluated: 2021-04-29. Review status: criteria provided, single submitter. Criteria: ACMG Guidelines, 2015. Collection method: clinical testing. Allele origin: germline.
Comment: This missense variant replaces isoleucine with threonine at codon 314 of the DSP protein. Computational prediction suggests that this variant may not impact protein structure and function (internally defined REVEL score threshold <= 0.5, PMID: 27666373). To our knowledge, functional studies have not been reported for this variant. This variant has not been reported in individuals affected with cardiovascular disorders in the literature. This variant has not been identified in the general population by the Genome Aggregation Database (gnomAD). The available evidence is insufficient to determine the role of this variant in disease conclusively. Therefore, this variant is classified as a Variant of Uncertain Significance.

NM_004415.4(DSP):c.941T>C (p.Ile314Thr)

Gene: DSP (desmoplakin; plus strand). Cytogenetic location: 6p24.3.
Variant type: single nucleotide variant.
Coding change: c.941T>C on transcript NM_004415.4 (MANE Select); coding-DNA position 941, T replaced by C.
Protein change: p.Ile314Thr; replaces isoleucine 314 with threonine.
Molecular consequence: missense variant.
Genome position (GRCh38, 1-based): chr6:7,566,378, T>C. VCF-style: chr6-7566378-T-C. GRCh37 (hg19) VCF-style: chr6-7566611-T-C.
Other names: c.941T>C, p.Ile314Thr (NM_001008844.3, NM_001319034.2); short protein forms I314T.
Identifiers: ClinVar variation 1332386 (VCV001332386.2), dbSNP rs2113670908, ClinGen allele CA362674752.
Genomic context (GRCh38, chr6:7,566,378, plus strand): 5'-GGGTGATGGAAGTTTAATGATGACTTGCTGCAAAGGATTTCTTATTTCTTCATTCACAGA[T>C]ACGCATGAGTCAACTGGAAGTTAAAGAAAAAGAGCTCAATAAGCTGAAACAAGAAAGTGA-3'
Protein context (NP_004406.2, residues 304-324): NIAQKQEAFS[Ile314Thr]RMSQLEVKEK